The following is an entry in ClinVar:

ClinVar aggregate classification (germline): Likely benign. Review status: criteria provided, multiple submitters, no conflicts (2 of 4 stars). 3 submissions from 3 submitters: Likely benign (3). Last evaluated 2025-08-01.

Conditions:
Haddad syndrome (OHD). Also called: Ondine-Hirschsprung disease. Identifiers: Orphanet 99803, MedGen C1859049, MONDO:0020493.
Hereditary cancer-predisposing syndrome. Also called: Hereditary neoplastic syndrome; Neoplastic Syndromes, Hereditary; Tumor predisposition; Hereditary Cancer Syndrome. Identifiers: Orphanet 140162, MedGen C0027672, MeSH D009386, MONDO:0015356.

Submissions (3):

CeGaT Center for Human Genetics Tuebingen
Classification: Likely benign. Last evaluated: 2025-08-01. Review status: criteria provided, single submitter. Criteria: CeGaT Center For Human Genetics Tuebingen Variant Classification Criteria Version 2. Collection method: clinical testing. Allele origin: germline. Affected: yes. Observed: 1 variant allele.
Comment: PHOX2B: PM2:Supporting, BP4, BP7

Labcorp Genetics (formerly Invitae), Labcorp
Classification: Likely benign for Haddad syndrome. Last evaluated: 2024-04-30. Review status: criteria provided, single submitter. Criteria: Invitae Variant Classification Sherloc (09022015). Collection method: clinical testing. Allele origin: germline.

Ambry Genetics
Classification: Likely benign for Hereditary cancer-predisposing syndrome. Last evaluated: 2022-01-13. Review status: criteria provided, single submitter. Criteria: Ambry Variant Classification Scheme 2023. Collection method: clinical testing. Allele origin: germline.

NM_003924.4(PHOX2B):c.693C>T (p.Gly231=)

Gene: PHOX2B (paired like homeobox 2B; minus strand). Cytogenetic location: 4p13.
Variant type: single nucleotide variant.
Coding change: c.693C>T on transcript NM_003924.4 (MANE Select); coding-DNA position 693, C replaced by T.
Protein change: p.Gly231=; no amino-acid change (glycine 231 retained).
Molecular consequence: synonymous variant.
Genome position (GRCh38, 1-based): chr4:41,746,059, G>A on the plus strand (C>T on the coding strand, the complement: PHOX2B is on the minus strand). VCF-style: chr4-41746059-G-A. GRCh37 (hg19) VCF-style: chr4-41748076-G-A.
Identifiers: ClinVar variation 1756238 (VCV001756238.15), dbSNP rs1298812842, ClinGen allele CA439142884.